The following is an entry in ClinVar:

ClinVar aggregate classification (germline): Likely benign. Review status: criteria provided, multiple submitters, no conflicts (2 of 4 stars). 4 submissions from 4 submitters: Likely benign (4). Last evaluated 2026-01-19.

Conditions:
Epidermolysis bullosa simplex 5C, with pyloric atresia (EBS5C). Also called: PLEC-Related Epidermolysis Bullosa with Pyloric Atresia; Epidermolysis bullosa simplex with pyloric atresia; PLEC1-Related Epidermolysis Bullosa with Pyloric Atresia. Identifiers: Orphanet 158684, MedGen C2677349, MONDO:0012807, OMIM 612138.
Epidermolysis bullosa simplex 5B, with muscular dystrophy (EBS5B). Also called: EPIDERMOLYSIS BULLOSA SIMPLEX AND LIMB-GIRDLE MUSCULAR DYSTROPHY; Epidermolysis bullosa simplex with muscular dystrophy. Identifiers: Orphanet 257, MedGen C2931072, MONDO:0009181, OMIM 226670.
Autosomal recessive limb-girdle muscular dystrophy type 2Q (LGMDR17). Also called: MUSCULAR DYSTROPHY, LIMB-GIRDLE, AUTOSOMAL RECESSIVE 17. Identifiers: Orphanet 254361, MedGen C3150989, MONDO:0013390, OMIM 613723.
Epidermolysis bullosa simplex with nail dystrophy (EBS5D). Identifiers: MedGen C4225309, MONDO:0014661, OMIM 616487.
Epidermolysis bullosa simplex, Ogna type (EBS5A). Also called: Pidermolysis bullosa simplex 5A, Ogna type; EPIDERMOLYSIS BULLOSA SIMPLEX 5A, OGNA TYPE. Identifiers: Orphanet 79401, MedGen C0432317, MONDO:0007555, OMIM 131950.
PLEC-related disorder. Also called: PLEC-related disorders; PLEC-related condition.

Allele frequency attached by ClinVar (database versions not stated): gnomAD exomes 0.00003 and 0.00004; ExAC 0.00004; TOPMed 0.00028; gnomAD 0.00031 and 0.00034.
gnomAD v4.1: 86 of 1,583,104 alleles (0.0054%); highest among the groups gnomAD compares: African/African-American, 0.086%; no homozygotes.

Submissions (4):

Labcorp Genetics (formerly Invitae), Labcorp
Classification: Likely benign for Autosomal recessive limb-girdle muscular dystrophy type 2Q; Epidermolysis bullosa simplex, Ogna type; Epidermolysis bullosa simplex with nail dystrophy; Epidermolysis bullosa simplex 5C, with pyloric atresia; Epidermolysis bullosa simplex 5B, with muscular dystrophy. Last evaluated: 2026-01-19. Review status: criteria provided, single submitter. Criteria: Invitae Variant Classification Sherloc (09022015). Collection method: clinical testing. Allele origin: germline.

CeGaT Center for Human Genetics Tuebingen
Classification: Likely benign. Last evaluated: 2025-12-01. Review status: criteria provided, single submitter. Criteria: CeGaT Center For Human Genetics Tuebingen Variant Classification Criteria Version 2. Collection method: clinical testing. Allele origin: germline. Affected: yes. Observed: 1 variant allele.
Comment: PLEC: BP4, BP7

PreventionGenetics, part of Exact Sciences
Classification: Likely benign for PLEC-related condition. Last evaluated: 2025-04-09. Review status: criteria provided, single submitter. Criteria: ACMG Guidelines, 2015. Collection method: clinical testing. Allele origin: germline.
Comment: This variant is classified as likely benign based on ACMG/AMP sequence variant interpretation guidelines (Richards et al. 2015 PMID: 25741868, with internal and published modifications).

GeneDx
Classification: Likely benign. Last evaluated: 2021-05-26. Review status: criteria provided, single submitter. Criteria: GeneDx Variant Classification Process June 2021. Collection method: clinical testing. Allele origin: germline. Affected: yes.

NM_201384.3(PLEC):c.13521C>T (p.Asp4507=)

Gene: PLEC (plectin; minus strand). Cytogenetic location: 8q24.3.
Variant type: single nucleotide variant.
Coding change: c.13521C>T on transcript NM_201384.3 (MANE Select); coding-DNA position 13521, C replaced by T.
Protein change: p.Asp4507=; no amino-acid change (aspartic acid 4507 retained).
Molecular consequence: synonymous variant.
Genome position (GRCh38, 1-based): chr8:143,916,300, G>A on the plus strand (C>T on the coding strand, the complement: PLEC is on the minus strand). VCF-style: chr8-143916300-G-A. GRCh37 (hg19) VCF-style: chr8-144990468-G-A.
Other names: c.13602C>T (NM_000445.4); c.13602C>T, p.Asp4534= (NM_000445.5); c.13479C>T, p.Asp4493= (NM_201378.4); c.13455C>T, p.Asp4485= (NM_201379.3); c.13932C>T, p.Asp4644= (NM_201380.4); c.13425C>T, p.Asp4475= (NM_201381.3); c.13521C>T, p.Asp4507= (NM_201382.4); c.13533C>T, p.Asp4511= (NM_201383.3).
Identifiers: ClinVar variation 506441 (VCV000506441.17), dbSNP rs782029814, ClinGen allele CA4923769.